The following is an entry in ClinVar:

NM_001171.6(ABCC6):c.3735+3G>C

Gene: ABCC6 (ATP binding cassette subfamily C member 6; minus strand). Cytogenetic location: 16p13.11.
Variant type: single nucleotide variant.
Coding change: c.3735+3G>C on transcript NM_001171.6 (MANE Select); 3 bases into the intron after coding-DNA position 3735, G replaced by C.
Molecular consequence: intron variant.
Genome position (GRCh38, 1-based): chr16:16,159,479, C>G on the plus strand (G>C on the coding strand, the complement: ABCC6 is on the minus strand). VCF-style: chr16-16159479-C-G. GRCh37 (hg19) VCF-style: chr16-16253336-C-G.
Other names: c.3393+3G>C (NM_001351800.1).
Identifiers: ClinVar variation 2102154 (VCV002102154.4), dbSNP rs201806988, ClinGen allele CA7925474.

ClinVar aggregate classification (germline): Uncertain significance (1 of 4 stars; one submission).

Allele frequency attached by ClinVar (database versions not stated): TOPMed below 0.00001.
gnomAD v4.1: 2 of 1,613,570 alleles (0.00012%); highest among the groups gnomAD compares: East Asian, 0.0045%; no homozygotes.

Submission:

Labcorp Genetics (formerly Invitae), Labcorp
Classification: Uncertain significance. Last evaluated: 2022-02-22. Review status: criteria provided, single submitter. Criteria: Invitae Variant Classification Sherloc (09022015). Collection method: clinical testing. Allele origin: germline.
Comment: In summary, the available evidence is currently insufficient to determine the role of this variant in disease. Therefore, it has been classified as a Variant of Uncertain Significance. Variants that disrupt the consensus splice site are a relatively common cause of aberrant splicing (PMID: 17576681, 9536098). Algorithms developed to predict the effect of sequence changes on RNA splicing suggest that this variant may disrupt the consensus splice site. This variant has not been reported in the literature in individuals affected with ABCC6-related conditions. This variant is present in population databases (rs201806988, gnomAD 0.006%). This sequence change falls in intron 26 of the ABCC6 gene. It does not directly change the encoded amino acid sequence of the ABCC6 protein. It affects a nucleotide within the consensus splice site.

Literature cited by the submitters: PubMed 17576681; PubMed 9536098.